The following is an entry in ClinVar:

NM_014249.4(NR2E3):c.709A>G (p.Asn237Asp)

Gene: NR2E3 (nuclear receptor subfamily 2 group E member 3; plus strand). Cytogenetic location: 15q23.
Variant type: single nucleotide variant.
Coding change: c.709A>G on transcript NM_014249.4 (MANE Select); coding-DNA position 709, A replaced by G.
Protein change: p.Asn237Asp; replaces asparagine 237 with aspartic acid.
Molecular consequence: missense variant.
Genome position (GRCh38, 1-based): chr15:71,812,473, A>G. VCF-style: chr15-71812473-A-G. GRCh37 (hg19) VCF-style: chr15-72104813-A-G.
Other names: c.709A>G (NM_014249.2); c.709A>G, p.Asn237Asp (NM_016346.4); short protein forms N237D.
Identifiers: ClinVar variation 2878093 (VCV002878093.4), dbSNP rs976794181, ClinGen allele CA272575378.

ClinVar aggregate classification (germline): Uncertain significance. Review status: criteria provided, multiple submitters, no conflicts (2 of 4 stars). 2 submissions from 2 submitters: Uncertain significance (2). Last evaluated 2024-07-16.

Conditions:
Inborn genetic diseases. Identifiers: MedGen C0950123, MeSH D030342.

Allele frequency attached by ClinVar (database versions not stated): TOPMed 0.00002.

Submissions (2):

Ambry Genetics
Classification: Uncertain significance for Inborn genetic diseases. Last evaluated: 2024-07-16. Review status: criteria provided, single submitter. Criteria: Ambry Variant Classification Scheme 2023. Collection method: clinical testing. Allele origin: germline.

Labcorp Genetics (formerly Invitae), Labcorp
Classification: Uncertain significance. Last evaluated: 2022-10-31. Review status: criteria provided, single submitter. Criteria: Invitae Variant Classification Sherloc (09022015). Collection method: clinical testing. Allele origin: germline.
Comment: This sequence change replaces asparagine, which is neutral and polar, with aspartic acid, which is acidic and polar, at codon 237 of the NR2E3 protein (p.Asn237Asp). This variant is not present in population databases (gnomAD no frequency). This variant has not been reported in the literature in individuals affected with NR2E3-related conditions. Advanced modeling of protein sequence and biophysical properties (such as structural, functional, and spatial information, amino acid conservation, physicochemical variation, residue mobility, and thermodynamic stability) performed at Invitae indicates that this missense variant is not expected to disrupt NR2E3 protein function. In summary, the available evidence is currently insufficient to determine the role of this variant in disease. Therefore, it has been classified as a Variant of Uncertain Significance.